The following is an entry in ClinVar:

ClinVar aggregate classification (germline): Uncertain significance (1 of 4 stars; one submission).

Submission:

GeneDx
Classification: Uncertain significance. Last evaluated: 2025-08-05. Review status: criteria provided, single submitter. Criteria: GeneDx Variant Classification Process June 2021. Collection method: clinical testing. Allele origin: germline.
Comment: Not observed at significant frequency in large population cohorts (gnomAD); In silico analysis suggests that this missense variant does not alter protein structure/function; Has not been previously published as pathogenic or benign to our knowledge

NM_022124.6(CDH23):c.1477G>A (p.Gly493Arg)

Gene: CDH23 (cadherin related 23; plus strand). Cytogenetic location: 10q22.1.
Variant type: single nucleotide variant.
Coding change: c.1477G>A on transcript NM_022124.6 (MANE Select); coding-DNA position 1477, G replaced by A.
Protein change: p.Gly493Arg; replaces glycine 493 with arginine.
Molecular consequence: missense variant.
Genome position (GRCh38, 1-based): chr10:71,675,139, G>A. VCF-style: chr10-71675139-G-A. GRCh37 (hg19) VCF-style: chr10-73434896-G-A.
Other names: c.1477G>A, p.Gly493Arg (NM_001171930.2, NM_001171931.2); short protein forms G493R.
Identifiers: ClinVar variation 3769950 (VCV003769950.2).